The following is an entry in ClinVar:

ClinVar aggregate classification (germline): Uncertain significance (1 of 4 stars; one submission).

Conditions:
Congenital myotonia, autosomal dominant form (THD). Also called: THOMSEN DISEASE; Myotonia congenita autosomal dominant. Identifiers: Orphanet 614, MedGen C2936781, MONDO:0008055, OMIM 160800.
Congenital myotonia, autosomal recessive form. Also called: BECKER DISEASE; Becker Generalized Myotonia; myotonia congenita, autosomal recessive. Identifiers: Orphanet 614, MedGen C0751360, MONDO:0009715, OMIM 255700.

gnomAD v4.1: 3 of 1,613,684 alleles (0.00019%); highest among the groups gnomAD compares: Non-Finnish European, 0.00025%; no homozygotes.

Submission:

Labcorp Genetics (formerly Invitae), Labcorp
Classification: Uncertain significance for Congenital myotonia, autosomal recessive form; Congenital myotonia, autosomal dominant form. Last evaluated: 2025-03-19. Review status: criteria provided, single submitter. Criteria: Invitae Variant Classification Sherloc (09022015). Collection method: clinical testing. Allele origin: germline.
Comment: This sequence change replaces glycine, which is neutral and non-polar, with aspartic acid, which is acidic and polar, at codon 17 of the CLCN1 protein (p.Gly17Asp). This variant is not present in population databases (gnomAD no frequency). This variant has not been reported in the literature in individuals affected with CLCN1-related conditions. Invitae Evidence Modeling of protein sequence and biophysical properties (such as structural, functional, and spatial information, amino acid conservation, physicochemical variation, residue mobility, and thermodynamic stability) has been performed for this missense variant. However, the output from this modeling did not meet the statistical confidence thresholds required to predict the impact of this variant on CLCN1 protein function. In summary, the available evidence is currently insufficient to determine the role of this variant in disease. Therefore, it has been classified as a Variant of Uncertain Significance.

NM_000083.3(CLCN1):c.50G>A (p.Gly17Asp)

Gene: CLCN1 (chloride voltage-gated channel 1; plus strand). Cytogenetic location: 7q34.
Variant type: single nucleotide variant.
Coding change: c.50G>A on transcript NM_000083.3 (MANE Select); coding-DNA position 50, G replaced by A.
Protein change: p.Gly17Asp; replaces glycine 17 with aspartic acid.
Molecular consequence: missense variant. On other transcripts: non-coding transcript variant (1).
Genome position (GRCh38, 1-based): chr7:143,316,262, G>A. VCF-style: chr7-143316262-G-A. GRCh37 (hg19) VCF-style: chr7-143013355-G-A.
Other names: short protein forms G17D.
Identifiers: ClinVar variation 4794864 (VCV004794864.1).